The following is an entry in ClinVar:

ClinVar aggregate classification (germline): Uncertain significance (1 of 4 stars; one submission).

Submission:

GeneDx
Classification: Uncertain significance. Last evaluated: 2024-02-15. Review status: criteria provided, single submitter. Criteria: GeneDx Variant Classification Process June 2021. Collection method: clinical testing. Allele origin: germline. Affected: yes.
Comment: Not observed at significant frequency in large population cohorts (gnomAD); In silico analysis supports that this missense variant does not alter protein structure/function; Has not been previously published as pathogenic or benign to our knowledge

NM_001368397.1(FRMPD4):c.47G>T (p.Arg16Met)

Gene: FRMPD4 (FERM and PDZ domain containing 4; plus strand). Cytogenetic location: Xp22.2.
Variant type: single nucleotide variant.
Coding change: c.47G>T on transcript NM_001368397.1 (MANE Select); coding-DNA position 47, G replaced by T.
Protein change: p.Arg16Met; replaces arginine 16 with methionine.
Molecular consequence: missense variant. On other transcripts: 5 prime UTR variant (1).
Genome position (GRCh38, 1-based): chrX:12,498,685, G>T. VCF-style: chrX-12498685-G-T. GRCh37 (hg19) VCF-style: chrX-12516804-G-T.
Other names: c.158G>T, p.Arg53Met (NM_001368395.3, NM_001368398.3); c.47G>T, p.Arg16Met (NM_001368396.3, NM_014728.3); c.38G>T, p.Arg13Met (NM_001368399.3); c.-74G>T (NM_001368400.3); c.23G>T, p.Arg8Met (NM_001368401.1, NM_001368402.3); short protein forms R13M, R16M, R53M, R8M.
Identifiers: ClinVar variation 3369354 (VCV003369354.1).